The following is an entry in ClinVar:

ClinVar aggregate classification (germline): Likely benign. Review status: criteria provided, multiple submitters, no conflicts (2 of 4 stars). 5 submissions from 5 submitters: Likely benign (4). 1 of the submissions does not count toward it. Last evaluated 2026-06-01.

Conditions:
NDUFA6-related disorder. Also called: NDUFA6-related condition.

Allele frequency attached by ClinVar (database versions not stated): 1000 Genomes Project 30x 0.00047; gnomAD exomes 0.00054 and 0.00094; ExAC 0.00056; gnomAD 0.00057 and 0.00058; TOPMed 0.00059; 1000 Genomes Project 0.00060; ESP Exome Variant Server 0.00062.
gnomAD v4.1: 1,431 of 1,614,206 alleles (0.089%); highest among the groups gnomAD compares: Non-Finnish European, 0.11%; no homozygotes.

Submissions (5):

CeGaT Center for Human Genetics Tuebingen
Classification: Likely benign. Last evaluated: 2026-06-01. Review status: criteria provided, single submitter. Criteria: CeGaT Center For Human Genetics Tuebingen Variant Classification Criteria Version 2. Collection method: clinical testing. Allele origin: germline. Affected: yes. Observed: 2 variant alleles.
Comment: NDUFA6: BP4, BP7

Labcorp Genetics (formerly Invitae), Labcorp
Classification: Likely benign. Last evaluated: 2026-01-21. Review status: criteria provided, single submitter. Criteria: Invitae Variant Classification Sherloc (09022015). Collection method: clinical testing. Allele origin: germline.

Blueprint Genetics
Classification: Likely benign. Last evaluated: 2024-10-23. Review status: criteria provided, single submitter. Criteria: ACMG Guidelines, 2015. Collection method: clinical testing. Allele origin: germline.

Breakthrough Genomics
Classification: Likely benign. Review status: criteria provided, single submitter. Criteria: ACMG Guidelines, 2015. Collection method: not provided. Allele origin: germline. Inheritance: Autosomal recessive inheritance. Affected: yes.

PreventionGenetics, part of Exact Sciences
Classification: Likely benign for NDUFA6-related condition. Last evaluated: 2019-04-29. Review status: no assertion criteria provided. Collection method: clinical testing. Allele origin: germline. Not counted in ClinVar's aggregate classification.
Comment: This variant is classified as likely benign based on ACMG/AMP sequence variant interpretation guidelines (Richards et al. 2015 PMID: 25741868, with internal and published modifications).

NM_002490.6(NDUFA6):c.48C>T (p.Phe16=)

Gene: NDUFA6 (NADH:ubiquinone oxidoreductase subunit A6; minus strand). Cytogenetic location: 22q13.2.
Variant type: single nucleotide variant.
Coding change: c.48C>T on transcript NM_002490.6 (MANE Select); coding-DNA position 48, C replaced by T.
Protein change: p.Phe16=; no amino-acid change (phenylalanine 16 retained).
Molecular consequence: synonymous variant.
Genome position (GRCh38, 1-based): chr22:42,090,697, G>A on the plus strand (C>T on the coding strand, the complement: NDUFA6 is on the minus strand). VCF-style: chr22-42090697-G-A. GRCh37 (hg19) VCF-style: chr22-42486701-G-A.
Other names: c.126C>T (NM_002490.4).
Identifiers: ClinVar variation 1638173 (VCV001638173.33), dbSNP rs144066165, ClinGen allele CA10264425.
Genomic context (GRCh38, chr22:42,090,697, plus strand): 5'-GTAGAGCTCGCGCACCCTCCGCTTGGCCTCGTTCATGTCCCGACTGAAAATGGGCTTCAC[G>A]AAGGTGCTGGCGGTAGAAGTAGCTTGGCGGACGCCGCTCCCCGCCATCTTGCCAAAGCAT-3'
Protein context (NP_002481.3, residues 6-26): VRQATSTAST[Phe16=]VKPIFSRDMN